The following is an entry in ClinVar:

ClinVar aggregate classification (germline): Pathogenic (1 of 4 stars; one submission).

Conditions:
Mosaic variegated aneuploidy syndrome 2 (MVA2). Identifiers: Orphanet 1052, MedGen C3279843, MONDO:0013582, OMIM 614114.

Submission:

Labcorp Genetics (formerly Invitae), Labcorp
Classification: Pathogenic for Mosaic variegated aneuploidy syndrome 2. Last evaluated: 2022-09-07. Review status: criteria provided, single submitter. Criteria: Invitae Variant Classification Sherloc (09022015). Collection method: clinical testing. Allele origin: germline.
Comment: For these reasons, this variant has been classified as Pathogenic. This variant has not been reported in the literature in individuals affected with CEP57-related conditions. This variant is not present in population databases (gnomAD no frequency). This sequence change creates a premature translational stop signal (p.Ser7Cysfs*13) in the CEP57 gene. It is expected to result in an absent or disrupted protein product. Loss-of-function variants in CEP57 are known to be pathogenic (PMID: 21552266, 24259107).

Literature cited by the submitters: PubMed 21552266; PubMed 24259107.

NM_014679.5(CEP57):c.20_21del (p.Ser7fs)

Genes: CEP57 (centrosomal protein 57; plus strand), LOC130006618 (ATAC-STARR-seq lymphoblastoid active region 5417; plus strand). Cytogenetic location: 11q21.
Variant type: Microsatellite.
Coding change: c.20_21del on transcript NM_014679.5 (MANE Select); coding-DNA positions 20 to 21, 2 bases deleted (CT; older notation c.20_21delCT).
Protein change: p.Ser7fs; shifts the reading frame from serine 7.
Molecular consequence: frameshift variant. On other transcripts: 5 prime UTR variant (2).
Genome position (GRCh38, 1-based): chr11:95,790,718-95,790,719, CT deleted; deleting any 2 consecutive bases within chr11:95,790,715-95,790,719 gives the same sequence; the c. name uses the placement nearest the transcript's 3' end. VCF-style (leftmost placement, unchanged base first): chr11-95790714-GTC-G. GRCh37 (hg19) VCF-style: chr11-95523878-GTC-G.
Other names: c.-54CT[1] (NM_001243776.2); c.20_21del, p.Ser7fs (NM_001243777.2); c.-377CT[1] (NM_001363604.2); short protein forms S7fs.
Identifiers: ClinVar variation 2169972 (VCV002169972.4), dbSNP rs2496049330, ClinGen allele CA2580616453.